The following is an entry in ClinVar:

ClinVar aggregate classification (germline): Benign (0 of 4 stars; one submission).

Conditions:
EEF1D-related disorder. Also called: EEF1D-related condition.

Allele frequency attached by ClinVar (database versions not stated): gnomAD 0.00084; ESP Exome Variant Server 0.00085; TOPMed 0.00088; ExAC 0.00106.
gnomAD v4.1: 1,226 of 1,600,676 alleles (0.077%); highest among the groups gnomAD compares: Middle Eastern, 0.29%; 11 homozygotes.

Submission:

PreventionGenetics, part of Exact Sciences
Classification: Benign for EEF1D-related condition. Last evaluated: 2019-07-10. Review status: no assertion criteria provided. Collection method: clinical testing. Allele origin: germline.
Comment: This variant is classified as benign based on ACMG/AMP sequence variant interpretation guidelines (Richards et al. 2015 PMID: 25741868, with internal and published modifications).

NM_001130053.5(EEF1D):c.1058G>A (p.Arg353Gln)

Gene: EEF1D (eukaryotic translation elongation factor 1 delta; minus strand). Cytogenetic location: 8q24.3.
Variant type: single nucleotide variant.
Coding change: c.1058G>A on transcript NM_001130053.5 (MANE Select); coding-DNA position 1058, G replaced by A.
Protein change: p.Arg353Gln; replaces arginine 353 with glutamine.
Molecular consequence: missense variant. On other transcripts: intron variant (8).
Genome position (GRCh38, 1-based): chr8:143,589,024, C>T on the plus strand (G>A on the coding strand, the complement: EEF1D is on the minus strand). VCF-style: chr8-143589024-C-T. GRCh37 (hg19) VCF-style: chr8-144671194-C-T.
Other names: c.1058G>A, p.Arg353Gln (NM_032378.7); c.-4-2175G>A (NM_001317743.4, NM_001289950.4, NM_001130055.4); c.-7-2172G>A (NM_001130056.5, NM_001195203.4, NM_001960.7 and 2 more transcripts); short protein forms R353Q.
Identifiers: ClinVar variation 3049636 (VCV003049636.2), dbSNP rs145843229, ClinGen allele CA4913685.